The following is an entry in ClinVar:

ClinVar aggregate classification (germline): Uncertain significance. Review status: criteria provided, multiple submitters, no conflicts (2 of 4 stars). 2 submissions from 2 submitters: Uncertain significance (2). Last evaluated 2026-08-17.

Conditions:
Arrhythmogenic cardiomyopathy with wooly hair and keratoderma. Also called: PALMOPLANTAR KERATODERMA WITH LEFT VENTRICULAR CARDIOMYOPATHY AND WOOLLY HAIR; Carvajal syndrome; Dilated cardiomyopathy with woolly hair and keratoderma; Arrhythmogenic cardiomyopathy with woolly hair and keratoderma. Identifiers: Orphanet 65282, MedGen C1854063, MONDO:0011581, OMIM 605676.
Arrhythmogenic right ventricular dysplasia 8 (ARVD8). Also called: Arrhythmogenic Right Ventricular Dysplasia/Cardiomyopathy 8; ARRHYTHMOGENIC RIGHT VENTRICULAR DYSPLASIA, FAMILIAL, 8; ARRHYTHMOGENIC RIGHT VENTRICULAR CARDIOMYOPATHY 8. Identifiers: MedGen C1843896, MONDO:0011831, OMIM 607450.
Cardiovascular phenotype. Identifiers: MedGen CN230736.

gnomAD v4.1: 2 of 1,614,116 alleles (0.00012%); highest among the groups gnomAD compares: Non-Finnish European, 0.00017%; no homozygotes.

Submissions (2):

Ambry Genetics
Classification: Uncertain significance for Cardiovascular phenotype. Last evaluated: 2026-08-17. Review status: criteria provided, single submitter. Criteria: Ambry Variant Classification Scheme 2023. Collection method: clinical testing. Allele origin: germline.

Labcorp Genetics (formerly Invitae), Labcorp
Classification: Uncertain significance for Arrhythmogenic cardiomyopathy with wooly hair and keratoderma; Arrhythmogenic right ventricular dysplasia 8. Last evaluated: 2025-12-09. Review status: criteria provided, single submitter. Criteria: Invitae Variant Classification Sherloc (09022015). Collection method: clinical testing. Allele origin: germline.
Comment: This sequence change replaces alanine, which is neutral and non-polar, with proline, which is neutral and non-polar, at codon 1263 of the DSP protein (p.Ala1263Pro). This variant is not present in population databases (gnomAD no frequency). This variant has not been reported in the literature in individuals affected with DSP-related conditions. ClinVar contains an entry for this variant (Variation ID: 4245122). An algorithm developed to predict the effect of missense changes on protein structure and function (PolyPhen-2) suggests that this variant is likely to be tolerated. In summary, the available evidence is currently insufficient to determine the role of this variant in disease. Therefore, it has been classified as a Variant of Uncertain Significance.

NM_004415.4(DSP):c.3787G>C (p.Ala1263Pro)

Gene: DSP (desmoplakin; plus strand). Cytogenetic location: 6p24.3.
Variant type: single nucleotide variant.
Coding change: c.3787G>C on transcript NM_004415.4 (MANE Select); coding-DNA position 3787, G replaced by C.
Protein change: p.Ala1263Pro; replaces alanine 1263 with proline.
Molecular consequence: missense variant. On other transcripts: intron variant (1).
Genome position (GRCh38, 1-based): chr6:7,579,977, G>C. VCF-style: chr6-7579977-G-C. GRCh37 (hg19) VCF-style: chr6-7580210-G-C.
Other names: c.3787G>C, p.Ala1263Pro (NM_001319034.2); c.3582+205G>C (NM_001008844.3); short protein forms A1263P.
Identifiers: ClinVar variation 4245122 (VCV004245122.3).